The following is an entry in ClinVar:

ClinVar aggregate classification (germline): Uncertain significance (1 of 4 stars; one submission).

Submission:

Labcorp Genetics (formerly Invitae), Labcorp
Classification: Uncertain significance. Last evaluated: 2023-11-01. Review status: criteria provided, single submitter. Criteria: Invitae Variant Classification Sherloc (09022015). Collection method: clinical testing. Allele origin: germline.
Comment: This sequence change replaces asparagine, which is neutral and polar, with aspartic acid, which is acidic and polar, at codon 91 of the NDUFAF2 protein (p.Asn91Asp). Information on the frequency of this variant in the gnomAD database is not available, as this variant may be reported differently in the database. This variant has not been reported in the literature in individuals affected with NDUFAF2-related conditions. ClinVar contains an entry for this variant (Variation ID: 1506819). Experimental studies and prediction algorithms are not available or were not evaluated, and the functional significance of this variant is currently unknown. In summary, the available evidence is currently insufficient to determine the role of this variant in disease. Therefore, it has been classified as a Variant of Uncertain Significance.

NM_174889.5(NDUFAF2):c.270_271delinsAG (p.Asn91Asp)

Gene: NDUFAF2 (NADH:ubiquinone oxidoreductase complex assembly factor 2; plus strand). Cytogenetic location: 5q12.1.
Variant type: Indel.
Coding change: c.270_271delinsAG on transcript NM_174889.5 (MANE Select); coding-DNA positions 270 to 271, GA replaced by AG.
Protein change: p.Asn91Asp; replaces asparagine 91 with aspartic acid.
Molecular consequence: missense variant.
Genome position (GRCh38, 1-based): chr5:61,152,715-61,152,716, GA replaced by AG. VCF-style: chr5-61152715-GA-AG. GRCh37 (hg19) VCF-style: chr5-60448542-GA-AG.
Other names: short protein forms N91D.
Identifiers: ClinVar variation 1506819 (VCV001506819.6), dbSNP rs2111838756, ClinGen allele CA2573139825.